The following is an entry in ClinVar:

NM_022132.5(MCCC2):c.505del (p.Tyr169fs)

Gene: MCCC2 (methylcrotonyl-CoA carboxylase subunit 2; plus strand). Cytogenetic location: 5q13.2.
Variant type: Deletion.
Coding change: c.505del on transcript NM_022132.5 (MANE Select); coding-DNA position 505, one base deleted (T; older notation c.505delT).
Protein change: p.Tyr169fs; shifts the reading frame from tyrosine 169.
Molecular consequence: frameshift variant.
Genome position (GRCh38, 1-based): chr5:71,602,627, T deleted. VCF-style (leftmost placement, unchanged base first): chr5-71602626-CT-C. GRCh37 (hg19) VCF-style: chr5-70898453-CT-C.
Other names: c.505del, p.Tyr169fs (NM_001363147.1); short protein forms Y169fs.
Identifiers: ClinVar variation 5014416 (VCV005014416.1).

ClinVar aggregate classification (germline): Pathogenic (1 of 4 stars; one submission).

Conditions:
3-methylcrotonyl-CoA carboxylase 2 deficiency. Also called: METHYLCROTONYLGLYCINURIA, TYPE II; 3 alpha methylcrotonyl-CoA carboxylase 2 deficiency; 3 alpha methylcrotonylglycinuria 2; MCC 2 deficiency; Methylcrotonylglycinuria type 2. Identifiers: Orphanet 6, MedGen C1859499, MONDO:0008862, OMIM 210210.

Submission:

Myriad Genetics, Inc.
Classification: Pathogenic for 3-methylcrotonyl-CoA carboxylase 2 deficiency. Last evaluated: 2025-05-10. Review status: criteria provided, single submitter. Criteria: Myriad Autosomal Dominant, Autosomal Recessive and X-Linked Classification Criteria (2023). Collection method: clinical testing. Allele origin: unknown.
Comment: NM_022132.4(MCCC2):c.505delT(Y169Tfs*2) is expected to be pathogenic in the context of 3-methylcrotonyl-CoA carboxylase deficiency, MCCC2-related. This variant is predicted to lead to an abnormal or absent protein product due to the creation of a premature termination codon in MCCC2, a gene where loss-of-function variants are known to be pathogenic. Please note: this variant was assessed in the context of healthy population screening.